The following is an entry in ClinVar:

NM_144599.5(NIPA1):c.*4716G>A

Gene: NIPA1 (NIPA magnesium transporter 1; plus strand). Cytogenetic location: 15q11.2.
Variant type: single nucleotide variant.
Coding change: c.*4716G>A on transcript NM_144599.5 (MANE Select); 4716 bases downstream of the stop codon, G replaced by A.
Molecular consequence: 3 prime UTR variant.
Genome position (GRCh38, 1-based): chr15:22,828,955, G>A. VCF-style: chr15-22828955-G-A. GRCh37 (hg19) VCF-style: chr15-23044113-C-T.
Other names: c.*4716G>A (NM_001142275.1).
Identifiers: ClinVar variation 884876 (VCV000884876.4), dbSNP rs540912938, ClinGen allele CA267611176.

ClinVar aggregate classification (germline): Benign (1 of 4 stars; one submission).

Conditions:
Hereditary spastic paraplegia 6 (SPG6). Also called: SPASTIC PARAPLEGIA 6, AUTOSOMAL DOMINANT. Identifiers: Orphanet 100988, MedGen C1838192, MONDO:0010878, OMIM 600363.

Allele frequency attached by ClinVar (database versions not stated): 1000 Genomes Project 30x 0.00047; TOPMed 0.00048; gnomAD 0.00054 and 0.00055; 1000 Genomes Project 0.00060.

Submission:

Illumina Laboratory Services, Illumina
Classification: Benign for Hereditary spastic paraplegia 6. Last evaluated: 2018-01-13. Review status: criteria provided, single submitter. Criteria: ICSL Variant Classification Criteria 13 December 2019. Collection method: clinical testing. Allele origin: germline.
Comment: This variant was observed in the ICSL laboratory as part of a predisposition screen in an ostensibly healthy population. It had not been previously curated by ICSL or reported in the Human Gene Mutation Database (HGMD: prior to June 1st, 2018), and was therefore a candidate for classification through an automated scoring system. Utilizing variant allele frequency, disease prevalence and penetrance estimates, and inheritance mode, an automated score was calculated to assess if this variant is too frequent to cause the disease. Based on the score and internal cut-off values, a variant classified as benign is not then subjected to further curation. The score for this variant resulted in a classification of benign for this disease.